The following is an entry in ClinVar:

ClinVar aggregate classification (germline): Uncertain significance (1 of 4 stars; one submission).

gnomAD v4.1: 1 of 1,600,268 alleles (0.000062%); highest among the groups gnomAD compares: Admixed American, 0.0017%; no homozygotes.

Submission:

Labcorp Genetics (formerly Invitae), Labcorp
Classification: Uncertain significance. Last evaluated: 2025-06-25. Review status: criteria provided, single submitter. Criteria: Invitae Variant Classification Sherloc (09022015). Collection method: clinical testing. Allele origin: germline.
Comment: This sequence change falls in intron 5 of the GSN gene. It does not directly change the encoded amino acid sequence of the GSN protein. This variant is not present in population databases (gnomAD no frequency). This variant has not been reported in the literature in individuals affected with GSN-related conditions. Algorithms developed to predict the effect of sequence changes on RNA splicing suggest that this variant may create or strengthen a splice site. In summary, the available evidence is currently insufficient to determine the role of this variant in disease. Therefore, it has been classified as a Variant of Uncertain Significance.

NM_198252.3(GSN):c.663+14G>A

Gene: GSN (gelsolin; plus strand). Cytogenetic location: 9q33.2.
Variant type: single nucleotide variant.
Coding change: c.663+14G>A on transcript NM_198252.3 (MANE Select); 14 bases into the intron after coding-DNA position 663, G replaced by A.
Molecular consequence: intron variant.
Genome position (GRCh38, 1-based): chr9:121,312,502, G>A. VCF-style: chr9-121312502-G-A. GRCh37 (hg19) VCF-style: chr9-124074780-G-A.
Other names: c.663+14G>A (NM_001353054.1, NM_001353053.1, NM_001353060.2 and 10 more transcripts); c.696+14G>A (NM_001353064.2, NM_001353066.2, NM_001353073.2 and 13 more transcripts); c.771+14G>A (NM_001127663.2); c.735+14G>A (NM_001353076.2); c.9+14G>A (NM_001353078.2); c.714+14G>A (NM_001258029.2); c.687+14G>A (NM_001258030.2); c.816+14G>A (NM_000177.5).
Identifiers: ClinVar variation 4704482 (VCV004704482.1).